The following is an entry in ClinVar:

ClinVar aggregate classification (germline): Uncertain significance. Review status: criteria provided, multiple submitters, no conflicts (2 of 4 stars). 3 submissions from 3 submitters: Uncertain significance (2). 1 of the submissions does not count toward it. Last evaluated 2024-12-03.

Conditions:
Cohen syndrome (COH1). Also called: Cutis verticis gyrata, retinitis pigmentosa, and sensorineural deafness; PEPPER SYNDROME. Identifiers: Orphanet 193, MedGen C0265223, MONDO:0008999, OMIM 216550.
Inborn genetic diseases. Identifiers: MedGen C0950123, MeSH D030342.
VPS13B-related disorder. Also called: VPS13B-related condition.

Allele frequency attached by ClinVar (database versions not stated): gnomAD exomes 0.00001; ExAC 0.00002; gnomAD 0.00005 and 0.00006; TOPMed 0.00006.
gnomAD v4.1: 12 of 1,613,914 alleles (0.00074%); highest among the groups gnomAD compares: African/African-American, 0.016%; no homozygotes.

Submissions (3):

Ambry Genetics
Classification: Uncertain significance for Inborn genetic diseases. Last evaluated: 2024-12-03. Review status: criteria provided, single submitter. Criteria: Ambry Variant Classification Scheme 2023. Collection method: clinical testing. Allele origin: germline.

Labcorp Genetics (formerly Invitae), Labcorp
Classification: Uncertain significance for Cohen syndrome. Last evaluated: 2024-10-22. Review status: criteria provided, single submitter. Criteria: Invitae Variant Classification Sherloc (09022015). Collection method: clinical testing. Allele origin: germline.
Comment: This sequence change replaces serine with arginine at codon 2566 of the VPS13B protein (p.Ser2566Arg). The serine residue is weakly conserved and there is a moderate physicochemical difference between serine and arginine. This variant is present in population databases (rs754632431, gnomAD 0.03%). This variant has not been reported in the literature in individuals affected with VPS13B-related conditions. ClinVar contains an entry for this variant (Variation ID: 1503102). Invitae Evidence Modeling of protein sequence and biophysical properties (such as structural, functional, and spatial information, amino acid conservation, physicochemical variation, residue mobility, and thermodynamic stability) has been performed for this missense variant. However, the output from this modeling did not meet the statistical confidence thresholds required to predict the impact of this variant on VPS13B protein function. In summary, the available evidence is currently insufficient to determine the role of this variant in disease. Therefore, it has been classified as a Variant of Uncertain Significance.

PreventionGenetics, part of Exact Sciences
Classification: Uncertain significance for VPS13B-related condition. Last evaluated: 2024-04-09. Review status: no assertion criteria provided. Collection method: clinical testing. Allele origin: germline. Not counted in ClinVar's aggregate classification.
Comment: The VPS13B c.7623T>A variant is predicted to result in the amino acid substitution p.Ser2541Arg. To our knowledge, this variant has not been reported in the literature. This variant is reported in 0.032% of alleles in individuals of African descent in gnomAD. At this time, the clinical significance of this variant is uncertain due to the absence of conclusive functional and genetic evidence.

NM_152564.5(VPS13B):c.7623T>A (p.Ser2541Arg)

Gene: VPS13B (vacuolar protein sorting 13 homolog B; plus strand). Cytogenetic location: 8q22.2.
Variant type: single nucleotide variant.
Coding change: c.7623T>A on transcript NM_152564.5 (MANE Select); coding-DNA position 7623, T replaced by A.
Protein change: p.Ser2541Arg; replaces serine 2541 with arginine.
Molecular consequence: missense variant.
Genome position (GRCh38, 1-based): chr8:99,778,875, T>A. VCF-style: chr8-99778875-T-A. GRCh37 (hg19) VCF-style: chr8-100791103-T-A.
Other names: c.7698T>A, p.Ser2566Arg (NM_017890.5); c.7623T>A (NM_152564.4); short protein forms S2566R, S2541R.
Identifiers: ClinVar variation 1503102 (VCV001503102.8), dbSNP rs754632431, ClinGen allele CA4824252.